The following is an entry in ClinVar:

ClinVar aggregate classification (germline): Uncertain significance (1 of 4 stars; one submission).

Allele frequency attached by ClinVar (database versions not stated): gnomAD exomes below 0.00001; ExAC 0.00001; gnomAD 0.00003 and 0.00005; TOPMed 0.00004; ESP Exome Variant Server 0.00008.
gnomAD v4.1: 32 of 1,613,106 alleles (0.002%); highest among the groups gnomAD compares: African/African-American, 0.0067%; no homozygotes.

Submission:

Labcorp Genetics (formerly Invitae), Labcorp
Classification: Uncertain significance. Last evaluated: 2023-12-18. Review status: criteria provided, single submitter. Criteria: Invitae Variant Classification Sherloc (09022015). Collection method: clinical testing. Allele origin: germline.
Comment: This sequence change replaces aspartic acid, which is acidic and polar, with histidine, which is basic and polar, at codon 984 of the KCNH1 protein (p.Asp984His). This variant is present in population databases (rs374239901, gnomAD 0.007%). This variant has not been reported in the literature in individuals affected with KCNH1-related conditions. ClinVar contains an entry for this variant (Variation ID: 1363508). Advanced modeling of protein sequence and biophysical properties (such as structural, functional, and spatial information, amino acid conservation, physicochemical variation, residue mobility, and thermodynamic stability) has been performed at Invitae for this missense variant, however the output from this modeling did not meet the statistical confidence thresholds required to predict the impact of this variant on KCNH1 protein function. In summary, the available evidence is currently insufficient to determine the role of this variant in disease. Therefore, it has been classified as a Variant of Uncertain Significance.

NM_172362.3(KCNH1):c.2950G>C (p.Asp984His)

Gene: KCNH1 (potassium voltage-gated channel subfamily H member 1; minus strand). Cytogenetic location: 1q32.2.
Variant type: single nucleotide variant.
Coding change: c.2950G>C on transcript NM_172362.3 (MANE Select); coding-DNA position 2950, G replaced by C.
Protein change: p.Asp984His; replaces aspartic acid 984 with histidine.
Molecular consequence: missense variant.
Genome position (GRCh38, 1-based): chr1:210,683,301, C>G on the plus strand (G>C on the coding strand, the complement: KCNH1 is on the minus strand). VCF-style: chr1-210683301-C-G. GRCh37 (hg19) VCF-style: chr1-210856643-C-G.
Other names: c.2869G>C, p.Asp957His (NM_002238.4); short protein forms D957H, D984H.
Identifiers: ClinVar variation 1363508 (VCV001363508.8), dbSNP rs374239901, ClinGen allele CA1379554.
Genomic context (GRCh38, chr1:210,683,301, plus strand): 5'-TGGAGGTATCTGTCTCTGACTTTTTTTTTAAATAGACCTCTCAGCTGGCTCCAAAAATGT[C>G]TCTCTCTGATTCTGGGGACTGTGGCCTCGATATTTCAAACAACTCCTGAGGAGACTGAGA-3'
Protein context (NP_758872.1, residues 974-989): SRPQSPESER[Asp984His]IFGAS